The following is an entry in ClinVar:

NM_001267550.2(TTN):c.95191C>T (p.Leu31731Phe)

Genes: TTN-AS1 (TTN antisense RNA 1; plus strand), TTN (titin; minus strand). Cytogenetic location: 2q31.2.
Variant type: single nucleotide variant.
Coding change: c.95191C>T on transcript NM_001267550.2 (MANE Select); coding-DNA position 95191, C replaced by T.
Protein change: p.Leu31731Phe; replaces leucine 31731 with phenylalanine.
Molecular consequence: missense variant.
Genome position (GRCh38, 1-based): chr2:178,546,045, G>A on the plus strand (C>T on the coding strand, the complement: TTN is on the minus strand). VCF-style: chr2-178546045-G-A. GRCh37 (hg19) VCF-style: chr2-179410772-G-A.
Other names: c.90268C>T, p.Leu30090Phe (NM_001256850.1); c.67996C>T, p.Leu22666Phe (NM_003319.4); c.87487C>T, p.Leu29163Phe (NM_133378.4); c.68371C>T, p.Leu22791Phe (NM_133432.3); c.68572C>T, p.Leu22858Phe (NM_133437.4); short protein forms L31731F, L29163F, L30090F, L22666F, L22791F, L22858F.
Identifiers: ClinVar variation 641265 (VCV000641265.9), dbSNP rs1364685585, ClinGen allele CA349464181.

ClinVar aggregate classification (germline): Uncertain significance (1 of 4 stars; one submission).

Conditions:
Autosomal recessive limb-girdle muscular dystrophy type 2J (LGMDR10). Also called: Limb-girdle muscular dystrophy, type 2J; MUSCULAR DYSTROPHY, LIMB-GIRDLE, AUTOSOMAL RECESSIVE 10. Identifiers: Orphanet 140922, MedGen C1837342, MONDO:0012127, OMIM 608807.
Dilated cardiomyopathy 1G (CMD1G). Identifiers: Orphanet 154, MedGen C1858763, MONDO:0011400, OMIM 604145.

Submission:

Labcorp Genetics (formerly Invitae), Labcorp
Classification: Uncertain significance for Dilated cardiomyopathy 1G; Autosomal recessive limb-girdle muscular dystrophy type 2J. Last evaluated: 2019-02-21. Review status: criteria provided, single submitter. Criteria: Invitae Variant Classification Sherloc (09022015). Collection method: clinical testing. Allele origin: germline.
Comment: In summary, the available evidence is currently insufficient to determine the role of this variant in disease. Therefore, it has been classified as a Variant of Uncertain Significance. The phenylalanine amino acid residue is found in multiple mammalian species, suggesting that this missense change does not adversely affect protein function. These predictions have not been confirmed by published functional studies and their clinical significance is uncertain. Algorithms developed to predict the effect of missense changes on protein structure and function are unavailable for the TTN gene. This variant is located in the M band of TTN (PMID: 25589632). Variants in this region may be relevant for neuromuscular disorders, but have not been definitively shown to cause cardiomyopathy (PMID: 23975875). This variant has not been reported in the literature in individuals with TTN-related disease. This variant is not present in population databases (ExAC no frequency). This sequence change replaces leucine with phenylalanine at codon 31731 of the TTN protein (p.Leu31731Phe). The leucine residue is moderately conserved and there is a small physicochemical difference between leucine and phenylalanine.

Literature cited by the submitters: PubMed 25589632; PubMed 23975875.